The following is an entry in ClinVar:

ClinVar aggregate classification (germline): Likely benign. Review status: criteria provided, single submitter (1 of 4 stars). 2 submissions from 2 submitters: Likely benign (1). 1 of the submissions does not count toward it. Last evaluated 2023-01-01.

Conditions:
CABIN1-related disorder. Also called: CABIN1-related condition.

Allele frequency attached by ClinVar (database versions not stated): ESP Exome Variant Server 0.00069; TOPMed 0.00077; 1000 Genomes Project 0.00100; 1000 Genomes Project 30x 0.00109; ExAC 0.00121.
gnomAD v4.1: 1,837 of 1,608,330 alleles (0.11%); highest among the groups gnomAD compares: Middle Eastern, 0.33%; 12 homozygotes.

Submissions (2):

CeGaT Center for Human Genetics Tuebingen
Classification: Likely benign. Last evaluated: 2023-01-01. Review status: criteria provided, single submitter. Criteria: CeGaT Center For Human Genetics Tuebingen Variant Classification Criteria Version 2. Collection method: clinical testing. Allele origin: germline. Affected: yes. Observed: 1 variant allele.
Comment: CABIN1: BP4, BP7, BS2

PreventionGenetics, part of Exact Sciences
Classification: Benign for CABIN1-related condition. Last evaluated: 2019-08-06. Review status: no assertion criteria provided. Collection method: clinical testing. Allele origin: germline. Not counted in ClinVar's aggregate classification.
Comment: This variant is classified as benign based on ACMG/AMP sequence variant interpretation guidelines (Richards et al. 2015 PMID: 25741868, with internal and published modifications).

NM_012295.4(CABIN1):c.6495G>A (p.Ser2165=)

Gene: CABIN1 (calcineurin binding protein 1; plus strand). Cytogenetic location: 22q11.23.
Variant type: single nucleotide variant.
Coding change: c.6495G>A on transcript NM_012295.4 (MANE Select); coding-DNA position 6495, G replaced by A.
Protein change: p.Ser2165=; no amino-acid change (serine 2165 retained).
Molecular consequence: synonymous variant.
Genome position (GRCh38, 1-based): chr22:24,177,793, G>A. VCF-style: chr22-24177793-G-A. GRCh37 (hg19) VCF-style: chr22-24573761-G-A.
Other names: c.6495G>A, p.Ser2165= (NM_001199281.1); c.6345G>A, p.Ser2115= (NM_001201429.2); c.6495G>A (NM_012295.3).
Identifiers: ClinVar variation 2652984 (VCV002652984.25), dbSNP rs145349240, ClinGen allele CA10150045.